The following is an entry in ClinVar:

NM_017999.5(RNF31):c.424G>A (p.Asp142Asn)

Gene: RNF31 (ring finger protein 31; plus strand). Cytogenetic location: 14q12.
Variant type: single nucleotide variant.
Coding change: c.424G>A on transcript NM_017999.5 (MANE Select); coding-DNA position 424, G replaced by A.
Protein change: p.Asp142Asn; replaces aspartic acid 142 with asparagine.
Molecular consequence: missense variant. On other transcripts: 5 prime UTR variant (1).
Genome position (GRCh38, 1-based): chr14:24,148,342, G>A. VCF-style: chr14-24148342-G-A. GRCh37 (hg19) VCF-style: chr14-24617551-G-A.
Other names: c.-94G>A (NM_001310332.2); short protein forms D142N.
Identifiers: ClinVar variation 2992118 (VCV002992118.3), dbSNP rs1033266593, ClinGen allele CA257872176.

ClinVar aggregate classification (germline): Uncertain significance (1 of 4 stars; one submission).

Allele frequency attached by ClinVar (database versions not stated): TOPMed below 0.00001; gnomAD exomes below 0.00001.
gnomAD v4.1: 2 of 1,614,230 alleles (0.00012%); highest among the groups gnomAD compares: Admixed American, 0.0017%; no homozygotes.

Submission:

Labcorp Genetics (formerly Invitae), Labcorp
Classification: Uncertain significance. Last evaluated: 2025-08-10. Review status: criteria provided, single submitter. Criteria: Invitae Variant Classification Sherloc (09022015). Collection method: clinical testing. Allele origin: germline.
Comment: This sequence change replaces aspartic acid, which is acidic and polar, with asparagine, which is neutral and polar, at codon 142 of the RNF31 protein (p.Asp142Asn). This variant is present in population databases (no rsID available, gnomAD 0.003%). This variant has not been reported in the literature in individuals affected with RNF31-related conditions. ClinVar contains an entry for this variant (Variation ID: 2992118). An algorithm developed to predict the effect of missense changes on protein structure and function outputs the following: PolyPhen-2: "Possibly Damaging". The asparagine amino acid residue is found in multiple mammalian species, which suggests that this missense change does not adversely affect protein function. In summary, the available evidence is currently insufficient to determine the role of this variant in disease. Therefore, it has been classified as a Variant of Uncertain Significance.